The following is an entry in ClinVar:

NM_001206744.2(TPO):c.29C>T (p.Thr10Met)

Gene: TPO (thyroid peroxidase; plus strand). Cytogenetic location: 2p25.3.
Variant type: single nucleotide variant.
Coding change: c.29C>T on transcript NM_001206744.2 (MANE Select); coding-DNA position 29, C replaced by T.
Protein change: p.Thr10Met; replaces threonine 10 with methionine.
Molecular consequence: missense variant.
Genome position (GRCh38, 1-based): chr2:1,414,437, C>T. VCF-style: chr2-1414437-C-T. GRCh37 (hg19) VCF-style: chr2-1418209-C-T.
Other names: c.29C>T, p.Thr10Met (NM_000547.6, NM_001206745.2, NM_175719.4 and 2 more transcripts); short protein forms T10M.
Identifiers: ClinVar variation 3769466 (VCV003769466.2).
Genomic context (GRCh38, chr2:1,414,437, plus strand): 5'-TACATACTCTGTCTCCTTCCGTTAATTTTAGAATGAGAGCGCTCGCTGTGCTGTCTGTCA[C>T]GCTGGTTATGGCCTGCACAGAAGCCTTCTTCCCCTTCATCTCGAGAGGGAAAGAACTCCT-3'
Protein context (NP_001193673.1, residues 1-20): MRALAVLSV[Thr10Met]LVMACTEAFF

ClinVar aggregate classification (germline): Uncertain significance (1 of 4 stars; one submission).

gnomAD v4.1: 36 of 1,613,948 alleles (0.0022%); highest among the groups gnomAD compares: African/African-American, 0.025%; no homozygotes.

Submission:

Women's Health and Genetics/Laboratory Corporation of America, LabCorp
Classification: Uncertain significance. Last evaluated: 2025-01-23. Review status: criteria provided, single submitter. Criteria: LabCorp Variant Classification Summary - May 2015. Collection method: clinical testing. Allele origin: germline.
Comment: Variant summary: TPO c.29C>T (p.Thr10Met) results in a non-conservative amino acid change in the encoded protein sequence. Two of three in-silico tools predict a benign effect of the variant on protein function. The variant allele was found at a frequency of 2.8e-05 in 251158 control chromosomes (gnomAD). The available data on variant occurrences in the general population are insufficient to allow any conclusion about variant significance. To our knowledge, no occurrence of c.29C>T in individuals affected with Deficiency Of Iodide Peroxidase and no experimental evidence demonstrating its impact on protein function have been reported. No submitters have cited clinical-significance assessments for this variant to ClinVar. Based on the evidence outlined above, the variant was classified as uncertain significance.